The following is an entry in ClinVar:

ClinVar aggregate classification (germline): Uncertain significance. Review status: criteria provided, multiple submitters, no conflicts (2 of 4 stars). 3 submissions from 3 submitters: Uncertain significance (3). Last evaluated 2025-05-26.

Conditions:
Hereditary cancer-predisposing syndrome. Also called: Neoplastic Syndromes, Hereditary; Hereditary Cancer Syndrome; Hereditary neoplastic syndrome; Tumor predisposition. Identifiers: Orphanet 140162, MedGen C0027672, MeSH D009386, MONDO:0015356.
Ataxia-telangiectasia syndrome (AT). Also called: Ataxia-telangiectasia, complementation group E; Cerebello-oculocutaneous telangiectasia; Immunodeficiency with ataxia telangiectasia; Ataxia-telangiectasia, complementation group D; AT, COMPLEMENTATION GROUP C; Ataxia-telangiectasia. Identifiers: Orphanet 100, MedGen C0004135, MONDO:0008840, OMIM 208900.

Allele frequency attached by ClinVar (database versions not stated): gnomAD exomes below 0.00001.
gnomAD v4.1: 1 of 1,613,360 alleles (0.000062%); highest among the groups gnomAD compares: Non-Finnish European, 0.000085%; no homozygotes.

Submissions (3):

Ambry Genetics
Classification: Uncertain significance for Hereditary cancer-predisposing syndrome. Last evaluated: 2025-05-26. Review status: criteria provided, single submitter. Criteria: Ambry Variant Classification Scheme 2023. Collection method: clinical testing. Allele origin: germline.
Comment: The c.3576+3A>G intronic variant results from an A to G substitution 3 nucleotides after coding exon 23 in the ATM gene. This nucleotide position is highly conserved in available vertebrate species. In silico splice site analysis predicts that this alteration will weaken the native splice donor site. Based on the available evidence, the clinical significance of this variant remains unclear.

Labcorp Genetics (formerly Invitae), Labcorp
Classification: Uncertain significance for Ataxia-telangiectasia syndrome. Last evaluated: 2024-09-21. Review status: criteria provided, single submitter. Criteria: Invitae Variant Classification Sherloc (09022015). Collection method: clinical testing. Allele origin: germline.
Comment: This sequence change falls in intron 24 of the ATM gene. It does not directly change the encoded amino acid sequence of the ATM protein. It affects a nucleotide within the consensus splice site. This variant is not present in population databases (gnomAD no frequency). This variant has not been reported in the literature in individuals affected with ATM-related conditions. ClinVar contains an entry for this variant (Variation ID: 850984). Variants that disrupt the consensus splice site are a relatively common cause of aberrant splicing (PMID: 17576681, 9536098). Algorithms developed to predict the effect of sequence changes on RNA splicing suggest that this variant may disrupt the consensus splice site. In summary, the available evidence is currently insufficient to determine the role of this variant in disease. Therefore, it has been classified as a Variant of Uncertain Significance.

GeneDx
Classification: Uncertain significance. Last evaluated: 2024-06-17. Review status: criteria provided, single submitter. Criteria: GeneDx Variant Classification Process June 2021. Collection method: clinical testing. Allele origin: germline. Affected: yes.
Comment: Not observed at significant frequency in large population cohorts (gnomAD); In silico analysis supports a deleterious effect on splicing; Has not been previously published as pathogenic or benign to our knowledge

Literature cited by the submitters: PubMed 17576681 (cited by Labcorp Genetics (formerly Invitae), Labcorp); PubMed 9536098 (cited by Labcorp Genetics (formerly Invitae), Labcorp).

NM_000051.4(ATM):c.3576+3A>G

Gene: ATM (ATM serine/threonine kinase; plus strand). Cytogenetic location: 11q22.3.
Variant type: single nucleotide variant.
Coding change: c.3576+3A>G on transcript NM_000051.4 (MANE Select); 3 bases into the intron after coding-DNA position 3576, A replaced by G.
Molecular consequence: intron variant.
Genome position (GRCh38, 1-based): chr11:108,281,171, A>G. VCF-style: chr11-108281171-A-G. GRCh37 (hg19) VCF-style: chr11-108151898-A-G.
Other names: c.3576+3A>G (NM_001351834.2).
Identifiers: ClinVar variation 850984 (VCV000850984.12), dbSNP rs2082214908, ClinGen allele CA916079961.